The following is an entry in ClinVar:

ClinVar aggregate classification (germline): Uncertain significance (1 of 4 stars; one submission).

Submission:

Women's Health and Genetics/Laboratory Corporation of America, LabCorp
Classification: Uncertain significance. Last evaluated: 2024-09-13. Review status: criteria provided, single submitter. Criteria: LabCorp Variant Classification Summary - May 2015. Collection method: clinical testing. Allele origin: germline.
Comment: Variant summary: F8 c.88G>A (p.Glu30Lys) results in a conservative amino acid change in the encoded protein sequence. Three of five in-silico tools predict a damaging effect of the variant on protein function. The variant was absent in 183330 control chromosomes (gnomAD). The available data on variant occurrences in the general population are insufficient to allow any conclusion about variant significance. c.88G>A has been reported in the literature in individuals affected with Factor VIII Deficiency (Hemophilia A) (Markoff_2009, Abdul-Ghafar_2009, Ravanbod_2011, He_2013). These reports do not provide unequivocal conclusions about association of the variant with Factor VIII Deficiency (Hemophilia A). To our knowledge, no experimental evidence demonstrating an impact on protein function has been reported. The following publications have been ascertained in the context of this evaluation (PMID: 20028422, 23926300, 30266735, 23111982, 19473423, 22117735). No submitters have cited clinical-significance assessments for this variant to ClinVar. Based on the evidence outlined above, the variant was classified as uncertain significance.

Literature cited by the submitters: PubMed 23926300; PubMed 19473423; PubMed 22117735; PubMed 20028422; PubMed 30266735; PubMed 23111982.

NM_000132.4(F8):c.88G>A (p.Glu30Lys)

Gene: F8 (coagulation factor VIII; minus strand). Cytogenetic location: Xq28.
Variant type: single nucleotide variant.
Coding change: c.88G>A on transcript NM_000132.4 (MANE Select); coding-DNA position 88, G replaced by A.
Protein change: p.Glu30Lys; replaces glutamic acid 30 with lysine.
Molecular consequence: missense variant.
Genome position (GRCh38, 1-based): chrX:155,022,465, C>T on the plus strand (G>A on the coding strand, the complement: F8 is on the minus strand). VCF-style: chrX-155022465-C-T. GRCh37 (hg19) VCF-style: chrX-154250740-C-T.
Other names: short protein forms E30K.
Identifiers: ClinVar variation 3374808 (VCV003374808.1).